The following is an entry in ClinVar:

NM_001875.5(CPS1):c.3262G>A (p.Asp1088Asn)

Gene: CPS1 (carbamoyl-phosphate synthase 1; plus strand). Cytogenetic location: 2q34.
Variant type: single nucleotide variant.
Coding change: c.3262G>A on transcript NM_001875.5 (MANE Select); coding-DNA position 3262, G replaced by A.
Protein change: p.Asp1088Asn; replaces aspartic acid 1088 with asparagine.
Molecular consequence: missense variant. On other transcripts: non-coding transcript variant (2).
Genome position (GRCh38, 1-based): chr2:210,647,983, G>A. VCF-style: chr2-210647983-G-A. GRCh37 (hg19) VCF-style: chr2-211512707-G-A.
Other names: c.3262G>A, p.Asp1088Asn (NM_001122633.3, NM_001369257.1); c.3295G>A, p.Asp1099Asn (NM_001369256.1); short protein forms D1088N, D1099N.
Identifiers: ClinVar variation 1949889 (VCV001949889.6), dbSNP rs2469293132, ClinGen allele CA350436181.

ClinVar aggregate classification (germline): Uncertain significance. Review status: criteria provided, single submitter (1 of 4 stars). 2 submissions from 2 submitters: Uncertain significance (1). 1 of the submissions does not count toward it. Last evaluated 2024-11-11.

Conditions:
Congenital hyperammonemia, type I. Also called: CPS I DEFICIENCY; Carbamoyl phosphate synthetase I deficiency disease; Carbamoyl-phosphate synthase I deficiency; Carbamoyl phosphate synthetase 1 deficiency; Hyperammonemia due to carbamoyl phosphate synthetase 1 deficiency; CPS 1 deficiency. Identifiers: Orphanet 147, MedGen C4082171, MONDO:0009376, OMIM 237300.

Submissions (2):

Labcorp Genetics (formerly Invitae), Labcorp
Classification: Uncertain significance for Congenital hyperammonemia, type I. Last evaluated: 2024-11-11. Review status: criteria provided, single submitter. Criteria: Invitae Variant Classification Sherloc (09022015). Collection method: clinical testing. Allele origin: germline.
Comment: This sequence change replaces aspartic acid, which is acidic and polar, with asparagine, which is neutral and polar, at codon 1088 of the CPS1 protein (p.Asp1088Asn). This variant is not present in population databases (gnomAD no frequency). This variant has not been reported in the literature in individuals affected with CPS1-related conditions. ClinVar contains an entry for this variant (Variation ID: 1949889). Invitae Evidence Modeling of protein sequence and biophysical properties (such as structural, functional, and spatial information, amino acid conservation, physicochemical variation, residue mobility, and thermodynamic stability) indicates that this missense variant is not expected to disrupt CPS1 protein function with a negative predictive value of 95%. In summary, the available evidence is currently insufficient to determine the role of this variant in disease. Therefore, it has been classified as a Variant of Uncertain Significance.

Natera, Inc.
Classification: Uncertain significance for Carbamoyl-phosphate synthase I deficiency. Last evaluated: 2025-05-08. Review status: no assertion criteria provided. Collection method: clinical testing. Allele origin: germline. Not counted in ClinVar's aggregate classification.